The following is an entry in ClinVar:

ClinVar aggregate classification (germline): Likely pathogenic (1 of 4 stars; one submission).

Conditions:
Autosomal recessive nonsyndromic hearing loss 15. Also called: DEAFNESS, AUTOSOMAL RECESSIVE 15; DEAFNESS, AUTOSOMAL RECESSIVE 72; DEAFNESS, AUTOSOMAL RECESSIVE 95. Identifiers: Orphanet 90636, MedGen C1866094, MONDO:0011160, OMIM 601869.

Submission:

Neuberg Centre For Genomic Medicine, NCGM
Classification: Likely pathogenic for Autosomal recessive nonsyndromic hearing loss 15. Last evaluated: 2023-05-20. Review status: criteria provided, single submitter. Criteria: ACMG Guidelines, 2015. Collection method: clinical testing. Allele origin: germline. Inheritance: Autosomal recessive inheritance. Affected: yes.
Comment: The frameshift variant c.87del (p.Ala30ArgfsTer67) in the GIPC3 gene has not been reported previously as a pathogenic variant nor as a benign variant, to our knowledge. The variant is absent in the gnomAD Exomes. This variant causes a frameshift starting with codon Alanine 30, changes this amino acid to Arginine residue, and creates a premature Stop codon at position 67 of the new reading frame. This variant is predicted to cause a loss of normal protein function through protein truncation. Loss of function variants has been previously reported to be disease causing (Charizopoulou et al., 2011). For these reasons, this variant has been classified as Likely Pathogenic

NM_133261.3(GIPC3):c.87del (p.Ala30fs)

Gene: GIPC3 (GIPC PDZ domain containing family member 3; plus strand). Cytogenetic location: 19p13.3.
Variant type: Deletion.
Coding change: c.87del on transcript NM_133261.3 (MANE Select); coding-DNA position 87, one base deleted (C; older notation c.87delC).
Protein change: p.Ala30fs; shifts the reading frame from alanine 30.
Molecular consequence: frameshift variant.
Genome position (GRCh38, 1-based): chr19:3,585,684, C deleted; the last of 2 consecutive C bases (chr19:3,585,683-3,585,684); deleting either gives the same sequence. VCF-style (leftmost placement, unchanged base first): chr19-3585682-GC-G. GRCh37 (hg19) VCF-style: chr19-3585680-GC-G.
Other names: c.87del, p.Ala30fs (NM_001411144.1); short protein forms A30fs.
Identifiers: ClinVar variation 3367081 (VCV003367081.1).